The following is an entry in ClinVar:

NM_022168.4(IFIH1):c.1208T>A (p.Val403Asp)

Gene: IFIH1 (interferon induced with helicase C domain 1; minus strand). Cytogenetic location: 2q24.2.
Variant type: single nucleotide variant.
Coding change: c.1208T>A on transcript NM_022168.4 (MANE Select); coding-DNA position 1208, T replaced by A.
Protein change: p.Val403Asp; replaces valine 403 with aspartic acid.
Molecular consequence: missense variant.
Genome position (GRCh38, 1-based): chr2:162,282,464, A>T on the plus strand (T>A on the coding strand, the complement: IFIH1 is on the minus strand). VCF-style: chr2-162282464-A-T. GRCh37 (hg19) VCF-style: chr2-163138974-A-T.
Other names: short protein forms V403D.
Identifiers: ClinVar variation 4088222 (VCV004088222.1).

ClinVar aggregate classification (germline): Uncertain significance (1 of 4 stars; one submission).

Submission:

GeneDx
Classification: Uncertain significance. Last evaluated: 2025-03-24. Review status: criteria provided, single submitter. Criteria: GeneDx Variant Classification Process June 2021. Collection method: clinical testing. Allele origin: germline. Affected: yes.
Comment: Not observed at significant frequency in large population cohorts (gnomAD); In silico analysis supports that this missense variant has a deleterious effect on protein structure/function; Has not been previously published as pathogenic or benign to our knowledge